The following is an entry in ClinVar:

ClinVar aggregate classification (germline): Conflicting classifications of pathogenicity. Review status: criteria provided, conflicting classifications (1 of 4 stars). 2 submissions from 2 submitters: Uncertain significance (1); Likely benign (1). Last evaluated 2025-02-16.

Allele frequency attached by ClinVar (database versions not stated): gnomAD 0.00002; gnomAD exomes 0.00002; ExAC 0.00014.

Submissions (2):

Laboratory of Genetics, Children's Clinical University Hospital Latvia
Classification: Likely benign. Last evaluated: 2025-02-16. Review status: criteria provided, single submitter. Criteria: ACMG Guidelines, 2015. Collection method: clinical testing. Allele origin: germline. Affected: yes.

Labcorp Genetics (formerly Invitae), Labcorp
Classification: Uncertain significance. Last evaluated: 2024-03-15. Review status: criteria provided, single submitter. Criteria: Invitae Variant Classification Sherloc (09022015). Collection method: clinical testing. Allele origin: germline.
Comment: This sequence change replaces phenylalanine, which is neutral and non-polar, with leucine, which is neutral and non-polar, at codon 50 of the ATP5D protein (p.Phe50Leu). This variant is present in population databases (rs778164774, gnomAD 0.1%), and has an allele count higher than expected for a pathogenic variant. This variant has not been reported in the literature in individuals affected with ATP5D-related conditions. ClinVar contains an entry for this variant (Variation ID: 1929590). An algorithm developed to predict the effect of missense changes on protein structure and function (PolyPhen-2) suggests that this variant is likely to be disruptive. In summary, the available evidence is currently insufficient to determine the role of this variant in disease. Therefore, it has been classified as a Variant of Uncertain Significance.

NM_001687.5(ATP5F1D):c.148T>C (p.Phe50Leu)

Gene: ATP5F1D (ATP synthase F1 subunit delta; plus strand). Cytogenetic location: 19p13.3.
Variant type: single nucleotide variant.
Coding change: c.148T>C on transcript NM_001687.5 (MANE Select); coding-DNA position 148, T replaced by C.
Protein change: p.Phe50Leu; replaces phenylalanine 50 with leucine.
Molecular consequence: missense variant.
Genome position (GRCh38, 1-based): chr19:1,242,462, T>C. VCF-style: chr19-1242462-T-C. GRCh37 (hg19) VCF-style: chr19-1242461-T-C.
Other names: c.148T>C, p.Phe50Leu (NM_001001975.2); short protein forms F50L.
Identifiers: ClinVar variation 1929590 (VCV001929590.6), dbSNP rs778164774, ClinGen allele CA9040229.